The following is an entry in ClinVar:

NM_001364905.1(LRBA):c.5518+2T>C

Gene: LRBA (LPS responsive beige-like anchor protein; minus strand). Cytogenetic location: 4q31.3.
Variant type: single nucleotide variant.
Coding change: c.5518+2T>C on transcript NM_001364905.1 (MANE Select); the canonical splice donor site of the intron after coding-DNA position 5518, T replaced by C.
Molecular consequence: splice donor variant.
Genome position (GRCh38, 1-based): chr4:150,806,269, A>G on the plus strand (T>C on the coding strand, the complement: LRBA is on the minus strand). VCF-style: chr4-150806269-A-G. GRCh37 (hg19) VCF-style: chr4-151727421-A-G.
Other names: c.5518+2T>C (NM_001367550.1, NM_006726.5, NM_001199282.3 and 2 more transcripts).
Identifiers: ClinVar variation 2900567 (VCV002900567.6), dbSNP rs532289025, ClinGen allele CA3102465.

ClinVar aggregate classification (germline): Likely pathogenic. Review status: criteria provided, multiple submitters, no conflicts (2 of 4 stars). 4 submissions from 4 submitters: Likely pathogenic (3). 1 of the submissions does not count toward it. Last evaluated 2026-01-08.

Conditions:
LRBA-related disorder. Also called: LRBA-related condition.
Combined immunodeficiency due to LRBA deficiency. Also called: Common variable immunodeficiency 8, with autoimmunity. Identifiers: Orphanet 445018, MedGen C3553512, MONDO:0013863, OMIM 614700.

Allele frequency attached by ClinVar (database versions not stated): gnomAD 0.00004; ExAC 0.00011; 1000 Genomes Project 30x 0.00031; 1000 Genomes Project 0.00040.
gnomAD v4.1: 64 of 1,562,818 alleles (0.0041%); highest among the groups gnomAD compares: South Asian, 0.073%; no homozygotes.

Submissions (4):

Labcorp Genetics (formerly Invitae), Labcorp
Classification: Likely pathogenic for Combined immunodeficiency due to LRBA deficiency. Last evaluated: 2026-01-08. Review status: criteria provided, single submitter. Criteria: Invitae Variant Classification Sherloc (09022015). Collection method: clinical testing. Allele origin: germline.
Comment: This sequence change affects a donor splice site in intron 33 of the LRBA gene. It is expected to disrupt RNA splicing. Variants that disrupt the donor or acceptor splice site typically lead to a loss of protein function (PMID: 16199547), and loss-of-function variants in LRBA are known to be pathogenic (PMID: 26206937, 26768763). This variant is present in population databases (rs532289025, gnomAD 0.08%). This variant has not been reported in the literature in individuals affected with LRBA-related conditions. ClinVar contains an entry for this variant (Variation ID: 2900567). Algorithms developed to predict the effect of sequence changes on RNA splicing suggest that this variant may disrupt the consensus splice site. In summary, the currently available evidence indicates that the variant is pathogenic, but additional data are needed to prove that conclusively. Therefore, this variant has been classified as Likely Pathogenic.

First Genomix Gene Laboratory, Genetic Diagnostics Department
Classification: Likely pathogenic for Combined immunodeficiency due to LRBA deficiency. Last evaluated: 2025-09-22. Review status: criteria provided, single submitter. Criteria: ACMG Guidelines, 2015. Collection method: clinical testing. Allele origin: germline. Inheritance: Autosomal recessive inheritance. Affected: no. Observed: 1 variant allele.

Neuberg Centre For Genomic Medicine, NCGM
Classification: Likely pathogenic for Combined immunodeficiency due to LRBA deficiency. Review status: criteria provided, single submitter. Criteria: ACMG Guidelines, 2015. Collection method: clinical testing. Allele origin: germline. Inheritance: Autosomal recessive inheritance. Affected: yes.
Comment: The invariant splice donor c.5518+2T>C variant in LRBA gene has not been reported previously as a pathogenic variant nor as a benign variant, to our knowledge. The c.5518+2T>C variant is present with allele frequency of 0.008% in gnomAD Exomes. This variant has not been submitted to the ClinVar database. The SpliceAI predicts a score of 0.82 for this variant. Loss of function variants in LRBA gene have been previously reported to be disease causing Charbonnier et al., 2015. However, additional functional studies will be required to prove the pathogenicity of this variant. For these reasons, this variant has been classified as Likely Pathogenic. In absence of another reportable variant in LRBA gene, the molecular diagnosis is not confirmed.

PreventionGenetics, part of Exact Sciences
Classification: Likely pathogenic for LRBA-related condition. Last evaluated: 2024-05-22. Review status: no assertion criteria provided. Collection method: clinical testing. Allele origin: germline. Not counted in ClinVar's aggregate classification.
Comment: The LRBA c.5518+2T>C variant is predicted to disrupt the GT donor site and interfere with normal splicing. To our knowledge, this variant has not been reported in the literature. This variant is reported in 0.080% of alleles in individuals of South Asian descent in gnomAD. Variants that disrupt the consensus splice donor site in LRBA are expected to be pathogenic. This variant is interpreted as likely pathogenic.

Literature cited by the submitters: PubMed 16199547 (cited by Labcorp Genetics (formerly Invitae), Labcorp); PubMed 26206937 (cited by Labcorp Genetics (formerly Invitae), Labcorp); PubMed 26768763 (cited by Labcorp Genetics (formerly Invitae), Labcorp).